The following is an entry in ClinVar:

NM_000059.4(BRCA2):c.9334G>A (p.Asp3112Asn)

Gene: BRCA2 (BRCA2 DNA repair associated; plus strand). Cytogenetic location: 13q13.1.
Variant type: single nucleotide variant.
Coding change: c.9334G>A on transcript NM_000059.4 (MANE Select); coding-DNA position 9334, G replaced by A.
Protein change: p.Asp3112Asn; replaces aspartic acid 3112 with asparagine.
Molecular consequence: missense variant.
Genome position (GRCh38, 1-based): chr13:32,394,766, G>A. VCF-style: chr13-32394766-G-A. GRCh37 (hg19) VCF-style: chr13-32968903-G-A.
Other names: short protein forms D3112N.
Identifiers: ClinVar variation 462523 (VCV000462523.17), dbSNP rs759851035, ClinGen allele CA6941377.

ClinVar aggregate classification (germline): Conflicting classifications of pathogenicity. Review status: criteria provided, conflicting classifications (1 of 4 stars). 4 submissions from 4 submitters: Uncertain significance (3); Likely benign (1). Last evaluated 2024-11-20.

Conditions:
Hereditary cancer-predisposing syndrome. Also called: Neoplastic Syndromes, Hereditary; Hereditary Cancer Syndrome; Hereditary neoplastic syndrome; Tumor predisposition. Identifiers: Orphanet 140162, MedGen C0027672, MeSH D009386, MONDO:0015356.
Hereditary breast ovarian cancer syndrome. Also called: Hereditary breast and ovarian cancer syndrome (HBOC); Hereditary breast and ovarian cancer syndrome; Breast and ovarian cancer; Hereditary breast and/or ovarian cancer syndrome; Hereditary breast and ovarian cancer; BRCA1- and BRCA2-Associated Hereditary Breast and Ovarian Cancer. Identifiers: Orphanet 145, MedGen C0677776, MeSH D061325, MONDO:0003582. Disease mechanism: loss of function.

Allele frequency attached by ClinVar (database versions not stated): gnomAD exomes below 0.00001; ExAC 0.00001.
gnomAD v4.1: 3 of 1,613,962 alleles (0.00019%); highest among the groups gnomAD compares: South Asian, 0.0033%; no homozygotes.

Submissions (4):

Labcorp Genetics (formerly Invitae), Labcorp
Classification: Uncertain significance for Hereditary breast ovarian cancer syndrome. Last evaluated: 2024-11-20. Review status: criteria provided, single submitter. Criteria: Invitae Variant Classification Sherloc (09022015). Collection method: clinical testing. Allele origin: germline.
Comment: This sequence change replaces aspartic acid, which is acidic and polar, with asparagine, which is neutral and polar, at codon 3112 of the BRCA2 protein (p.Asp3112Asn). This variant is present in population databases (rs759851035, gnomAD 0.003%). This missense change has been observed in individual(s) with melanoma (PMID: 30286154). ClinVar contains an entry for this variant (Variation ID: 462523). Invitae Evidence Modeling incorporating data from in vitro experimental studies (PMID: 33609447) indicates that this missense variant is not expected to disrupt BRCA2 function with a negative predictive value of 95%. Experimental studies have shown that this missense change does not substantially affect BRCA2 function (PMID: 35736817). In summary, the available evidence is currently insufficient to determine the role of this variant in disease. Therefore, it has been classified as a Variant of Uncertain Significance.

Color Diagnostics, LLC DBA Color Health
Classification: Uncertain significance for Hereditary cancer-predisposing syndrome. Last evaluated: 2022-06-21. Review status: criteria provided, single submitter. Criteria: ACMG Guidelines, 2015. Collection method: clinical testing. Allele origin: germline.
Comment: This missense variant replaces aspartic acid with asparagine at codon 3112 of the BRCA2 protein. Computational prediction is inconclusive regarding the impact of this variant on protein structure and function (internally defined REVEL score threshold 0.5 < inconclusive < 0.7, PMID: 27666373). To our knowledge, functional studies have not been reported for this variant. This variant has been observed in four related family members affected with breast, prostate, thyroid and colorectal cancer and leukemia (PMID: 30286154) and in 2 unrelated individuals affected with BRCA2-associated cancers (PMID: 34572941). This variant has been identified in 1/251262 chromosomes in the general population by the Genome Aggregation Database (gnomAD). The available evidence is insufficient to determine the role of this variant in disease conclusively. Therefore, this variant is classified as a Variant of Uncertain Significance.

Ambry Genetics
Classification: Likely benign for Hereditary cancer-predisposing syndrome. Last evaluated: 2022-01-11. Review status: criteria provided, single submitter. Criteria: Ambry Variant Classification Scheme 2023. Collection method: clinical testing. Allele origin: germline.

GeneDx
Classification: Uncertain significance. Last evaluated: 2019-10-31. Review status: criteria provided, single submitter. Criteria: GeneDx Variant Classification Process June 2021. Collection method: clinical testing. Allele origin: germline. Affected: yes.
Comment: Not observed at a significant frequency in large population cohorts (Lek 2016); Co-segregated with disease in a family with multiple BRCA2-related cancers (Debniak 2018); In silico analysis, which includes protein predictors and evolutionary conservation, supports that this variant does not alter protein structure/function; Also known as 9562G>A; This variant is associated with the following publications: (PMID: 30286154)

Literature cited by the submitters: PubMed 30286154 (cited by 3 submitters); PubMed 33609447 (cited by Labcorp Genetics (formerly Invitae), Labcorp); PubMed 35736817 (cited by Labcorp Genetics (formerly Invitae), Labcorp); PubMed 34572941 (cited by Color Diagnostics, LLC DBA Color Health).